The following is an entry in ClinVar:

ClinVar aggregate classification (germline): Uncertain significance (1 of 4 stars; one submission).

Conditions:
Anauxetic dysplasia. Identifiers: Orphanet 93347, MedGen C1846796, MONDO:0011773.

gnomAD v4.1: 1 of 699,312 alleles (0.00014%); highest among the groups gnomAD compares: Admixed American, 0.002%; no homozygotes.

Submission:

Labcorp Genetics (formerly Invitae), Labcorp
Classification: Uncertain significance for Anauxetic dysplasia. Last evaluated: 2022-05-05. Review status: criteria provided, single submitter. Criteria: Invitae Variant Classification Sherloc (09022015). Collection method: clinical testing. Allele origin: germline.
Comment: This variant occurs in the RMRP gene, which encodes an RNA molecule that does not result in a protein product. This variant is not present in population databases (gnomAD no frequency). This variant has not been reported in the literature in individuals affected with RMRP-related conditions. Experimental studies and prediction algorithms are not available or were not evaluated, and the functional significance of this variant is currently unknown. In summary, the available evidence is currently insufficient to determine the role of this variant in disease. Therefore, it has been classified as a Variant of Uncertain Significance.

NC_000009.12:g.35657793C>A

Gene: RMRP (RNA component of mitochondrial RNA processing endoribonuclease; minus strand). Cytogenetic location: 9p13.3.
Variant type: single nucleotide variant.
Genome position: GRCh38 VCF-style: chr9-35657793-C-A. GRCh37 (hg19) VCF-style: chr9-35657790-C-A.
Identifiers: ClinVar variation 2163798 (VCV002163798.1), dbSNP rs1472791197, ClinGen allele CA464450421.